The following is an entry in ClinVar:

NM_018718.3(CEP41):c.7del (p.Leu3fs)

Gene: CEP41 (centrosomal protein 41; minus strand). Cytogenetic location: 7q32.2.
Variant type: Deletion.
Coding change: c.7del on transcript NM_018718.3 (MANE Select); coding-DNA position 7, one base deleted (C; older notation c.7delC).
Protein change: p.Leu3fs; shifts the reading frame from leucine 3.
Molecular consequence: frameshift variant. On other transcripts: non-coding transcript variant (1).
Genome position (GRCh38, 1-based): chr7:130,440,960, G deleted on the plus strand (C on the coding strand, the reverse complement: CEP41 is on the minus strand); the first of 3 consecutive G bases (chr7:130,440,960-130,440,962); deleting any one gives the same sequence. VCF-style (leftmost placement, unchanged base first): chr7-130440959-AG-A. GRCh37 (hg19) VCF-style: chr7-130080800-AG-A.
Other names: c.7del, p.Leu3fs (NM_001257158.2, NM_001257159.2, NM_001257160.2); short protein forms L3fs.
Identifiers: ClinVar variation 1457092 (VCV001457092.6), dbSNP rs1798139951, ClinGen allele CA1743239397.
Genomic context (GRCh38, chr7:130,440,959, plus strand): 5'-CCCCTCCGGCTCTCCGGCCGAGACCTGGCCCTCACCTCAGGGTTCCCAATGTGCCTCCGG[AG>A]GGACATATTTTCTCCAACCGACCACGTTCGGGGTTCTAGCCTCACGGGTTGCCTCTAACC-3'

ClinVar aggregate classification (germline): Pathogenic (1 of 4 stars; one submission).

Conditions:
Joubert syndrome 15 (JBTS15). Identifiers: Orphanet 475, MedGen C3280897, MONDO:0013763, OMIM 614464.

Submission:

Labcorp Genetics (formerly Invitae), Labcorp
Classification: Pathogenic for Joubert syndrome 15. Last evaluated: 2025-05-27. Review status: criteria provided, single submitter. Criteria: Invitae Variant Classification Sherloc (09022015). Collection method: clinical testing. Allele origin: germline.
Comment: This sequence change creates a premature translational stop signal (p.Leu3Serfs*11) in the CEP41 gene. It is expected to result in an absent or disrupted protein product. Loss-of-function variants in CEP41 are known to be pathogenic (PMID: 22246503). This variant is not present in population databases (gnomAD no frequency). This variant has not been reported in the literature in individuals affected with CEP41-related conditions. ClinVar contains an entry for this variant (Variation ID: 1457092). For these reasons, this variant has been classified as Pathogenic.

Literature cited by the submitters: PubMed 22246503.